The following is an entry in ClinVar:

NM_000352.6(ABCC8):c.2521C>T (p.Arg841Ter)

Gene: ABCC8 (ATP binding cassette subfamily C member 8; minus strand). Cytogenetic location: 11p15.1.
Variant type: single nucleotide variant.
Coding change: c.2521C>T on transcript NM_000352.6 (MANE Select); coding-DNA position 2521, C replaced by T.
Protein change: p.Arg841Ter; replaces arginine 841 with a stop codon.
Molecular consequence: nonsense. On other transcripts: non-coding transcript variant (1).
Genome position (GRCh38, 1-based): chr11:17,412,701, G>A on the plus strand (C>T on the coding strand, the complement: ABCC8 is on the minus strand). VCF-style: chr11-17412701-G-A. GRCh37 (hg19) VCF-style: chr11-17434248-G-A.
Other names: NM_000352.6(ABCC8):c.2521C>T; p.Arg841Ter; c.2524C>T, p.Arg842Ter (NM_001287174.3); c.2587C>T, p.Arg863Ter (NM_001351295.2); c.2521C>T, p.Arg841Ter (NM_001351296.2); c.2518C>T, p.Arg840Ter (NM_001351297.2); short protein forms R840*, R841*, R842*, R863*.
Identifiers: ClinVar variation 996301 (VCV000996301.11), dbSNP rs1484689392, ClinGen allele CA379807480.

ClinVar aggregate classification (germline): Pathogenic. Review status: criteria provided, multiple submitters, no conflicts (2 of 4 stars). 6 submissions from 5 submitters: Pathogenic (4). 2 of the submissions do not count toward it. Last evaluated 2023-08-16.

Conditions:
Familial hyperinsulinism. Also called: Congenital hyperinsulinism. Identifiers: Orphanet 276525, MedGen C3888018, MONDO:0017182. Disease mechanism: loss of function.
Hyperinsulinemic hypoglycemia, familial, 1 (HHF1). Also called: HYPERINSULINISM, FAMILIAL, WITH PANCREATIC NESIDIOBLASTOSIS; HYPOGLYCEMIA, HYPERINSULINEMIC, OF INFANCY; Persistent hyperinsulinemic hypoglycemia of infancy; Persistent Hyperinsulinemia Hypoglycemia of Infancy; NESIDIOBLASTOSIS OF PANCREAS. Identifiers: Orphanet 276575, Orphanet 276598, MedGen C2931832, MONDO:0009734, OMIM 256450.
Neonatal diabetes mellitus (NDM). Identifiers: Orphanet 224, MedGen C0158981, MONDO:0016391.
Type 2 diabetes mellitus. Also called: Type II diabetes mellitus. Identifiers: MedGen C0011860, MeSH D003924, MONDO:0005148, OMIM 125853, HP:0005978.

Allele frequency attached by ClinVar (database versions not stated): gnomAD exomes 0.00001.
gnomAD v4.1: 3 of 1,612,030 alleles (0.00019%); highest among the groups gnomAD compares: East Asian, 0.0022%; no homozygotes.

Submissions (6):

Broad Center for Mendelian Genomics, Broad Institute of MIT and Harvard
Classification: Pathogenic for Hyperinsulinemic hypoglycemia, familial, 1. Last evaluated: 2023-08-16. Review status: criteria provided, single submitter. Criteria: ACMG Guidelines, 2015. Collection method: curation. Allele origin: germline. Inheritance: Autosomal recessive inheritance.
Comment: The p.Arg841Ter variant in ABCC8 has been reported in 6 individuals with hyperinsulinemic hypoglycemia (PMID: 18988933, 30386300, 24401662, 34927408, 27908292, 35475025), and has been identified in 0.005% (1/18266) of East Asian chromosomes by the Genome Aggregation Database (gnomAD; dbSNP ID: rs1484689392). Although this variant has been seen in the general population in a heterozygous state, its frequency is low enough to be consistent with a recessive carrier frequency. This variant has also been reported in ClinVar (Variation ID: 96301) and has been interpreted as pathogenic by Invitae and Women's Health and Genetics/Laboratory Corporation of America (LabCorp). Of the 6 affected individuals, one of those was a homozygote, which increases the likelihood that the p.Arg841Ter variant is pathogenic (PMID: 34927408). This nonsense variant leads to a premature termination codon at position 841, which is predicted to lead to a truncated or absent protein. Loss of function of the ABCC8 gene is an established disease mechanism in autosomal recessive hyperinsulinemic hypoglycemia. In summary, this variant meets criteria to be classified as pathogenic for autosomal recessive hyperinsulinemic hypoglycemia. ACMG/AMP Criteria applied: PM3_supporting, PM2_supporting, PVS1 (Richards 2015).

Labcorp Genetics (formerly Invitae), Labcorp
Classification: Pathogenic. Last evaluated: 2023-05-13. Review status: criteria provided, single submitter. Criteria: Invitae Variant Classification Sherloc (09022015). Collection method: clinical testing. Allele origin: germline.
Comment: This premature translational stop signal has been observed in individual(s) with ABCC8-related conditions (PMID: 18988933, 34927408). This variant is also known as p.Arg842Ter . This sequence change creates a premature translational stop signal (p.Arg841*) in the ABCC8 gene. It is expected to result in an absent or disrupted protein product. Loss-of-function variants in ABCC8 are known to be pathogenic (PMID: 20685672, 23345197). The frequency data for this variant in the population databases is considered unreliable, as metrics indicate poor data quality at this position in the gnomAD database. ClinVar contains an entry for this variant (Variation ID: 996301). For these reasons, this variant has been classified as Pathogenic.

Baylor Genetics
Classification: Pathogenic for Type 2 diabetes mellitus. Last evaluated: 2022-12-24. Review status: criteria provided, single submitter. Criteria: ACMG Guidelines, 2015. Collection method: clinical testing. Allele origin: unknown.

Women's Health and Genetics/Laboratory Corporation of America, LabCorp
Classification: Pathogenic for Familial hyperinsulinism. Last evaluated: 2021-01-23. Review status: criteria provided, single submitter. Criteria: LabCorp Variant Classification Summary - May 2015. Collection method: clinical testing. Allele origin: germline.
Comment: Variant summary: ABCC8 c.2521C>T (p.Arg841X) results in a premature termination codon, predicted to cause a truncation of the encoded protein or absence of the protein due to nonsense mediated decay, which are commonly known mechanisms for disease. Truncations downstream of this position have been classified as pathogenic by our laboratory. The variant allele was found at a frequency of 8.1e-06 in 247456 control chromosomes. c.2521C>T has been reported in the literature in individuals affected with Congenital Hyperinsulinism and in carriers sequenced in control databases (example, Brunetti-Pierri_2008, Mohnike_2014, Salomon-Estebanez_2016, Craigie_2018, Bonnefond_2020). These data indicate that the variant is likely to be associated with disease. To our knowledge, no experimental evidence demonstrating an impact on protein function has been reported. No clinical diagnostic laboratories have submitted clinical-significance assessments for this variant to ClinVar after 2014. Based on the evidence outlined above, the variant was classified as pathogenic.

Clinical Genomics, Uppaluri K&H Personalized Medicine Clinic
Classification: Uncertain risk allele for Neonatal diabetes mellitus. Last evaluated: 2024-05-27. Review status: flagged submission. Criteria: K And H Uppaluri Personalized Medicine Clinic Variant Classification And Assertion Criteria Updated V 2. Collection method: research. Allele origin: unknown. Not counted in ClinVar's aggregate classification.
Comment: This variant is found to be a potent moderate impact, variant with a CADD score of 42 and sufficient scientific evidence of gene-disease correlation. However, since this is not a high impact variant and no variant evidence, this variant is reclassified as Uncertain risk allele.
ClinVar note: Reason: Outlier claim with insufficient supporting evidence

Clinical Genomics, Uppaluri K&H Personalized Medicine Clinic
Classification: Uncertain risk allele for Hyperinsulinemic hypoglycemia, familial, 1. Last evaluated: 2024-05-27. Review status: flagged submission. Criteria: K And H Uppaluri Personalized Medicine Clinic Variant Classification And Assertion Criteria Updated V 2. Collection method: research. Allele origin: unknown. Not counted in ClinVar's aggregate classification.
Comment: This variant is found to be a potent moderate impact, with a CADD score of 42 and sufficient scientific evidence to support gene-disease correlation. This is found more frequently in congenital Hyperinsulinism cases as per recent evidence as well. However, since this is not a high impact variant and has limited evidence, this variant is reclassified as Uncertain risk allele only.
ClinVar note: Reason: Outlier claim with insufficient supporting evidence

Literature cited by the submitters: PubMed 18988933 (cited by 3 submitters); PubMed 34927408 (cited by Labcorp Genetics (formerly Invitae), Labcorp); PubMed 20685672 (cited by Labcorp Genetics (formerly Invitae), Labcorp); PubMed 23345197 (cited by Labcorp Genetics (formerly Invitae), Labcorp); PubMed 24401662 (cited by Women's Health and Genetics/Laboratory Corporation of America, LabCorp); PubMed 27908292 (cited by Women's Health and Genetics/Laboratory Corporation of America, LabCorp); PubMed 33046911 (cited by Women's Health and Genetics/Laboratory Corporation of America, LabCorp); PubMed 30386300 (cited by Women's Health and Genetics/Laboratory Corporation of America, LabCorp); PubMed 32376986 (cited by Clinical Genomics, Uppaluri K&H Personalized Medicine Clinic); PubMed 20922570 (cited by Clinical Genomics, Uppaluri K&H Personalized Medicine Clinic); PubMed 17389331 (cited by Clinical Genomics, Uppaluri K&H Personalized Medicine Clinic); PubMed 17919176 (cited by Clinical Genomics, Uppaluri K&H Personalized Medicine Clinic); PubMed 21738553 (cited by Clinical Genomics, Uppaluri K&H Personalized Medicine Clinic); PubMed 33013711 (cited by Clinical Genomics, Uppaluri K&H Personalized Medicine Clinic); PubMed 35475025 (cited by Clinical Genomics, Uppaluri K&H Personalized Medicine Clinic).